The following is an entry in ClinVar:

ClinVar aggregate classification (germline): Uncertain significance (1 of 4 stars; one submission).

Conditions:
Inborn genetic diseases. Identifiers: MedGen C0950123, MeSH D030342.

Submission:

Ambry Genetics
Classification: Uncertain significance for Inborn genetic diseases. Last evaluated: 2025-02-02. Review status: criteria provided, single submitter. Criteria: Ambry Variant Classification Scheme 2023. Collection method: clinical testing. Allele origin: germline.
Comment: The p.A1162T variant (also known as c.3484G>A), located in coding exon 1 of the SAMD9L gene, results from a G to A substitution at nucleotide position 3484. The alanine at codon 1162 is replaced by threonine, an amino acid with similar properties. This amino acid position is conserved. In addition, this alteration is predicted to be tolerated by in silico analysis. Based on the available evidence, the clinical significance of this variant remains unclear.

NM_152703.5(SAMD9L):c.3484G>A (p.Ala1162Thr)

Gene: SAMD9L (sterile alpha motif domain containing 9 like; minus strand). Cytogenetic location: 7q21.2.
Variant type: single nucleotide variant.
Coding change: c.3484G>A on transcript NM_152703.5 (MANE Select); coding-DNA position 3484, G replaced by A.
Protein change: p.Ala1162Thr; replaces alanine 1162 with threonine.
Molecular consequence: missense variant.
Genome position (GRCh38, 1-based): chr7:93,132,488, C>T on the plus strand (G>A on the coding strand, the complement: SAMD9L is on the minus strand). VCF-style: chr7-93132488-C-T. GRCh37 (hg19) VCF-style: chr7-92761801-C-T.
Other names: c.3484G>A, p.Ala1162Thr (NM_001303496.3, NM_001303497.3, NM_001303498.3 and 5 more transcripts); short protein forms A1162T.
Identifiers: ClinVar variation 3792379 (VCV003792379.1).